The following is an entry in ClinVar:

NM_000548.5(TSC2):c.4677C>T (p.Leu1559=)

Gene: TSC2 (TSC complex subunit 2; plus strand). Cytogenetic location: 16p13.3.
Variant type: single nucleotide variant.
Coding change: c.4677C>T on transcript NM_000548.5 (MANE Select); coding-DNA position 4677, C replaced by T.
Protein change: p.Leu1559=; no amino-acid change (leucine 1559 retained).
Molecular consequence: synonymous variant.
Genome position (GRCh38, 1-based): chr16:2,086,207, C>T. VCF-style: chr16-2086207-C-T. GRCh37 (hg19) VCF-style: chr16-2136208-C-T.
Other names: c.4476C>T, p.Leu1492= (NM_001077183.3); c.4608C>T, p.Leu1536= (NM_001114382.3); c.4368C>T, p.Leu1456= (NM_001318827.2); c.4332C>T, p.Leu1444= (NM_001318829.2); c.3945C>T, p.Leu1315= (NM_001318831.2); c.4509C>T, p.Leu1503= (NM_001318832.2); c.4479C>T, p.Leu1493= (NM_001363528.2); c.4545C>T, p.Leu1515= (NM_001370404.1); and 1 more.
Identifiers: ClinVar variation 486636 (VCV000486636.22), dbSNP rs45517361, ClinGen allele CA052268.
Genomic context (GRCh38, chr16:2,086,207, plus strand): 5'-CCCGGCCCGGGAGTGATGCCACCCTGCCTCTCCCCTCTCCCCACAGAGCAACAGCGAGCT[C>T]GCCATCCTGTCCAATGAGCATGGCTCCTACAGGTACACGGAGTTCCTGACGGGCCTGGGC-3'
Protein context (NP_000539.2, residues 1549-1569): YVGEGQSNSE[Leu1559=]AILSNEHGSY

ClinVar aggregate classification (germline): Benign/Likely benign. Review status: criteria provided, multiple submitters, no conflicts (2 of 4 stars). 8 submissions from 8 submitters: Benign (3); Likely benign (5). Last evaluated 2026-01-27.

Conditions:
Tuberous sclerosis 2 (TSC2). Identifiers: Orphanet 805, MedGen C1860707, MONDO:0013199, OMIM 613254.
Tuberous sclerosis syndrome (TSC). Also called: Tuberous Sclerosis Complex; Tuberous sclerosis. Identifiers: Orphanet 805, MedGen C0041341, MONDO:0001734.
Lymphangiomyomatosis (LAM). Also called: Lymphangioleiomyomatosis; Lymphangioleiomyomatosis, somatic. Identifiers: Orphanet 538, MedGen C0751674, MONDO:0011705, OMIM 606690.
Isolated focal cortical dysplasia type II (FCORD2). Also called: Focal cortical dysplasia type II; CORTICAL DYSPLASIA OF TAYLOR. Identifiers: Orphanet 268994, MedGen C1846385, MONDO:0011818, OMIM 607341, HP:0032051.
Hereditary cancer-predisposing syndrome. Also called: Tumor predisposition; Hereditary Cancer Syndrome; Neoplastic Syndromes, Hereditary; Hereditary neoplastic syndrome. Identifiers: Orphanet 140162, MedGen C0027672, MeSH D009386, MONDO:0015356.

Allele frequency attached by ClinVar (database versions not stated): gnomAD 0.00001; gnomAD exomes 0.00002; TOPMed 0.00002; ExAC 0.00003.
gnomAD v4.1: 32 of 1,612,502 alleles (0.002%); highest among the groups gnomAD compares: South Asian, 0.0044%; no homozygotes.

Submissions (8):

Labcorp Genetics (formerly Invitae), Labcorp
Classification: Benign for Tuberous sclerosis 2. Last evaluated: 2026-01-27. Review status: criteria provided, single submitter. Criteria: Invitae Variant Classification Sherloc (09022015). Collection method: clinical testing. Allele origin: germline.

Myriad Genetics, Inc.
Classification: Benign for Tuberous sclerosis 2. Last evaluated: 2025-06-04. Review status: criteria provided, single submitter. Criteria: Myriad Autosomal Dominant, Autosomal Recessive and X-Linked Classification Criteria (2023). Collection method: clinical testing. Allele origin: unknown.
Comment: This variant is considered benign. This variant is a silent/synonymous amino acid change and it is not expected to impact splicing.

All of Us Research Program, National Institutes of Health
Classification: Likely benign for Tuberous sclerosis syndrome. Last evaluated: 2023-12-01. Review status: criteria provided, single submitter. Criteria: ACMG Guidelines, 2015. Collection method: clinical testing. Allele origin: germline. Inheritance: Autosomal dominant inheritance. Observed: 3 variant alleles, 3 heterozygotes.
Comment: This study involves interpretation of variants in research participants for the purpose of population health screening. Participant phenotype was not available at the time of variant classification. Additional details can be found in publication PMID: 35346344, PMCID: PMC8962531

Blueprint Genetics
Classification: Likely benign. Last evaluated: 2023-04-05. Review status: criteria provided, single submitter. Criteria: ACMG Guidelines, 2015. Collection method: clinical testing. Allele origin: germline.

Color Diagnostics, LLC DBA Color Health
Classification: Likely benign for Tuberous sclerosis syndrome. Last evaluated: 2022-11-06. Review status: criteria provided, single submitter. Criteria: ACMG Guidelines, 2015. Collection method: clinical testing. Allele origin: germline.

Fulgent Genetics
Classification: Likely benign for Lymphangiomyomatosis; Isolated focal cortical dysplasia type II; Tuberous sclerosis 2. Last evaluated: 2022-03-29. Review status: criteria provided, single submitter. Criteria: ACMG Guidelines, 2015. Collection method: clinical testing. Allele origin: unknown.

Genome-Nilou Lab
Classification: Benign for Tuberous sclerosis 2. Last evaluated: 2021-11-07. Review status: criteria provided, single submitter. Criteria: ACMG Guidelines, 2015. Collection method: clinical testing. Allele origin: germline. Affected: no.

Ambry Genetics
Classification: Likely benign for Hereditary cancer-predisposing syndrome. Last evaluated: 2016-06-08. Review status: criteria provided, single submitter. Criteria: Ambry Variant Classification Scheme 2023. Collection method: clinical testing. Allele origin: germline.